The following is an entry in ClinVar:

NM_001322934.2(NFKB2):c.502+6G>C

Gene: NFKB2 (nuclear factor kappa B subunit 2; plus strand). Cytogenetic location: 10q24.32.
Variant type: single nucleotide variant.
Coding change: c.502+6G>C on transcript NM_001322934.2 (MANE Select); 6 bases into the intron after coding-DNA position 502, G replaced by C.
Molecular consequence: intron variant.
Genome position (GRCh38, 1-based): chr10:102,397,414, G>C. VCF-style: chr10-102397414-G-C. GRCh37 (hg19) VCF-style: chr10-104157171-G-C.
Other names: c.502+6G>C (NM_001322935.1, NM_001077494.3, NM_001261403.3 and 2 more transcripts).
Identifiers: ClinVar variation 3708326 (VCV003708326.2).

ClinVar aggregate classification (germline): Uncertain significance (1 of 4 stars; one submission).

Conditions:
Immunodeficiency, common variable, 10. Also called: IMMUNODEFICIENCY, COMMON VARIABLE, WITH CENTRAL ADRENAL INSUFFICIENCY; DEFICIT IN ANTERIOR PITUITARY FUNCTION AND VARIABLE IMMUNODEFICIENCY. Identifiers: MedGen C3809991, MONDO:0014260, OMIM 615577.

gnomAD v4.1: 3 of 1,610,212 alleles (0.00019%); no homozygotes.

Submission:

Labcorp Genetics (formerly Invitae), Labcorp
Classification: Uncertain significance for Immunodeficiency, common variable, 10. Last evaluated: 2024-09-30. Review status: criteria provided, single submitter. Criteria: Invitae Variant Classification Sherloc (09022015). Collection method: clinical testing. Allele origin: germline.
Comment: This sequence change falls in intron 7 of the NFKB2 gene. It does not directly change the encoded amino acid sequence of the NFKB2 protein. It affects a nucleotide within the consensus splice site. This variant is not present in population databases (gnomAD no frequency). This variant has not been reported in the literature in individuals affected with NFKB2-related conditions. Variants that disrupt the consensus splice site are a relatively common cause of aberrant splicing (PMID: 17576681, 9536098). Algorithms developed to predict the effect of sequence changes on RNA splicing suggest that this variant is not likely to affect RNA splicing. In summary, the available evidence is currently insufficient to determine the role of this variant in disease. Therefore, it has been classified as a Variant of Uncertain Significance.

Literature cited by the submitters: PubMed 17576681; PubMed 9536098.